The following is an entry in ClinVar:

ClinVar aggregate classification (germline): Uncertain significance. Review status: criteria provided, multiple submitters, no conflicts (2 of 4 stars). 3 submissions from 3 submitters: Uncertain significance (3). Last evaluated 2025-08-18.

Conditions:
Inborn genetic diseases. Identifiers: MedGen C0950123, MeSH D030342.

Allele frequency attached by ClinVar (database versions not stated): ExAC 0.00009; gnomAD exomes 0.00009; TOPMed 0.00011; ESP Exome Variant Server 0.00017.
gnomAD v4.1: 306 of 1,613,028 alleles (0.019%); highest among the groups gnomAD compares: Non-Finnish European, 0.025%; no homozygotes.

Submissions (3):

Labcorp Genetics (formerly Invitae), Labcorp
Classification: Uncertain significance. Last evaluated: 2025-08-18. Review status: criteria provided, single submitter. Criteria: Invitae Variant Classification Sherloc (09022015). Collection method: clinical testing. Allele origin: germline.
Comment: This sequence change replaces arginine, which is basic and polar, with cysteine, which is neutral and slightly polar, at codon 2731 of the PCLO protein (p.Arg2731Cys). This variant is present in population databases (rs200801599, gnomAD 0.02%). This variant has not been reported in the literature in individuals affected with PCLO-related conditions. ClinVar contains an entry for this variant (Variation ID: 1443049). Experimental studies and prediction algorithms are not available or were not evaluated, and the functional significance of this variant is currently unknown. In summary, the available evidence is currently insufficient to determine the role of this variant in disease. Therefore, it has been classified as a Variant of Uncertain Significance.

Ambry Genetics
Classification: Uncertain significance for Inborn genetic diseases. Last evaluated: 2024-05-13. Review status: criteria provided, single submitter. Criteria: Ambry Variant Classification Scheme 2023. Collection method: clinical testing. Allele origin: germline.

Blueprint Genetics
Classification: Uncertain significance. Last evaluated: 2023-04-13. Review status: criteria provided, single submitter. Criteria: ACMG Guidelines, 2015. Collection method: clinical testing. Allele origin: germline.

NM_033026.6(PCLO):c.8191C>T (p.Arg2731Cys)

Gene: PCLO (piccolo presynaptic cytomatrix protein; minus strand). Cytogenetic location: 7q21.11.
Variant type: single nucleotide variant.
Coding change: c.8191C>T on transcript NM_033026.6 (MANE Select); coding-DNA position 8191, C replaced by T.
Protein change: p.Arg2731Cys; replaces arginine 2731 with cysteine.
Molecular consequence: missense variant.
Genome position (GRCh38, 1-based): chr7:82,952,762, G>A on the plus strand (C>T on the coding strand, the complement: PCLO is on the minus strand). VCF-style: chr7-82952762-G-A. GRCh37 (hg19) VCF-style: chr7-82582078-G-A.
Other names: c.8191C>T, p.Arg2731Cys (NM_014510.3); c.8191C>T (NM_033026.5); short protein forms R2731C.
Identifiers: ClinVar variation 1443049 (VCV001443049.8), dbSNP rs200801599, ClinGen allele CA4320166.